The following is an entry in ClinVar:

NM_000051.4(ATM):c.2828A>G (p.His943Arg)

Gene: ATM (ATM serine/threonine kinase; plus strand). Cytogenetic location: 11q22.3.
Variant type: single nucleotide variant.
Coding change: c.2828A>G on transcript NM_000051.4 (MANE Select); coding-DNA position 2828, A replaced by G.
Protein change: p.His943Arg; replaces histidine 943 with arginine.
Molecular consequence: missense variant.
Genome position (GRCh38, 1-based): chr11:108,268,599, A>G. VCF-style: chr11-108268599-A-G. GRCh37 (hg19) VCF-style: chr11-108139326-A-G.
Other names: c.2828A>G, p.His943Arg (NM_001351834.2); short protein forms H943R.
Identifiers: ClinVar variation 3018735 (VCV003018735.3), dbSNP rs2081396482, ClinGen allele CA382545814.

ClinVar aggregate classification (germline): Uncertain significance (1 of 4 stars; one submission).

Conditions:
Ataxia-telangiectasia syndrome (AT). Also called: Ataxia-telangiectasia, complementation group E; Ataxia-telangiectasia, complementation group D; AT, COMPLEMENTATION GROUP C; Ataxia-telangiectasia; LOUIS-BAR SYNDROME; Ataxia telangiectasia (A-T). Identifiers: Orphanet 100, MedGen C0004135, MONDO:0008840, OMIM 208900.

Submission:

Labcorp Genetics (formerly Invitae), Labcorp
Classification: Uncertain significance for Ataxia-telangiectasia syndrome. Last evaluated: 2023-06-05. Review status: criteria provided, single submitter. Criteria: Invitae Variant Classification Sherloc (09022015). Collection method: clinical testing. Allele origin: germline.
Comment: This variant is not present in population databases (gnomAD no frequency). This sequence change replaces histidine, which is basic and polar, with arginine, which is basic and polar, at codon 943 of the ATM protein (p.His943Arg). This variant has not been reported in the literature in individuals affected with ATM-related conditions. An algorithm developed to predict the effect of missense changes on protein structure and function (PolyPhen-2) suggests that this variant is likely to be disruptive. In summary, the available evidence is currently insufficient to determine the role of this variant in disease. Therefore, it has been classified as a Variant of Uncertain Significance.